The following is an entry in ClinVar:

ClinVar aggregate classification (germline): Uncertain significance (1 of 4 stars; one submission).

Submission:

Labcorp Genetics (formerly Invitae), Labcorp
Classification: Uncertain significance. Last evaluated: 2024-11-05. Review status: criteria provided, single submitter. Criteria: Invitae Variant Classification Sherloc (09022015). Collection method: clinical testing. Allele origin: germline.
Comment: This variant, c.4947_4948delinsAC, is a complex sequence change that results in the deletion of 1 and insertion of 1 amino acid(s) in the RIMS1 protein (p.Ser1650Arg). Information on the frequency of this variant in the gnomAD database is not available, as this variant may be reported differently in the database. This variant has been observed in individual(s) with Leber congenital amaurosis (internal data). ClinVar contains an entry for this variant (Variation ID: 1462513). Experimental studies and prediction algorithms are not available or were not evaluated, and the functional significance of this variant is currently unknown. In summary, the available evidence is currently insufficient to determine the role of this variant in disease. Therefore, it has been classified as a Variant of Uncertain Significance.

NM_014989.7(RIMS1):c.4947_4948delinsAC (p.Ser1650Arg)

Gene: RIMS1 (regulating synaptic membrane exocytosis 1; plus strand). Cytogenetic location: 6q13.
Variant type: Indel.
Coding change: c.4947_4948delinsAC on transcript NM_014989.7 (MANE Select); coding-DNA positions 4947 to 4948, CA replaced by AC.
Protein change: p.Ser1650Arg; replaces serine 1650 with arginine.
Molecular consequence: missense variant.
Genome position (GRCh38, 1-based): chr6:72,400,582-72,400,583, CA replaced by AC. VCF-style: chr6-72400582-CA-AC. GRCh37 (hg19) VCF-style: chr6-73110284-CA-AC.
Other names: c.2907_2908delinsAC, p.Ser970Arg (NM_001168407.2); c.2322_2323delinsAC, p.Ser775Arg (NM_001168408.2, NM_001350430.2); c.2151_2152delinsAC, p.Ser718Arg (NM_001168409.2); c.2349_2350delinsAC, p.Ser784Arg (NM_001168410.2); c.528_529delinsAC, p.Ser177Arg (NM_001168411.2); c.2868_2869delinsAC, p.Ser957Arg (NM_001350414.2); c.2964_2965delinsAC, p.Ser989Arg (NM_001350415.2); c.2913_2914delinsAC, p.Ser972Arg (NM_001350416.2); and 54 more; short protein forms S1002R, S1008R, S747R, S786R, S799R, S866R, S923R, S924R.
Identifiers: ClinVar variation 1462513 (VCV001462513.6), dbSNP rs2154461267, ClinGen allele CA2573141182.